The following is an entry in ClinVar:

NM_017662.5(TRPM6):c.861G>A (p.Pro287=)

Gene: TRPM6 (transient receptor potential cation channel subfamily M member 6; minus strand). Cytogenetic location: 9q21.13.
Variant type: single nucleotide variant.
Coding change: c.861G>A on transcript NM_017662.5 (MANE Select); coding-DNA position 861, G replaced by A.
Protein change: p.Pro287=; no amino-acid change (proline 287 retained).
Molecular consequence: synonymous variant.
Genome position (GRCh38, 1-based): chr9:74,821,818, C>T on the plus strand (G>A on the coding strand, the complement: TRPM6 is on the minus strand). VCF-style: chr9-74821818-C-T. GRCh37 (hg19) VCF-style: chr9-77436734-C-T.
Other names: p.Pro287=; c.846G>A, p.Pro282= (NM_001177310.2, NM_001177311.2).
Identifiers: ClinVar variation 3714397 (VCV003714397.3).

ClinVar aggregate classification (germline): Likely benign. Review status: criteria provided, multiple submitters, no conflicts (2 of 4 stars). 2 submissions from 2 submitters: Likely benign (2). Last evaluated 2025-08-06.

gnomAD v4.1: 177 of 1,614,016 alleles (0.011%); highest among the groups gnomAD compares: Non-Finnish European, 0.013%; no homozygotes.

Submissions (2):

Mayo Clinic Laboratories, Mayo Clinic
Classification: Likely benign. Last evaluated: 2025-08-06. Review status: criteria provided, single submitter. Criteria: ACMG Guidelines, 2015. Collection method: clinical testing. Allele origin: germline. Observed: 1 variant allele.
Comment: BP4, BP7

Labcorp Genetics (formerly Invitae), Labcorp
Classification: Likely benign. Last evaluated: 2025-05-07. Review status: criteria provided, single submitter. Criteria: Invitae Variant Classification Sherloc (09022015). Collection method: clinical testing. Allele origin: germline.